The following is an entry in ClinVar:

NM_007194.4(CHEK2):c.620A>T (p.Asp207Val)

Gene: CHEK2 (checkpoint kinase 2; minus strand). Cytogenetic location: 22q12.1.
Variant type: single nucleotide variant.
Coding change: c.620A>T on transcript NM_007194.4 (MANE Select); coding-DNA position 620, A replaced by T.
Protein change: p.Asp207Val; replaces aspartic acid 207 with valine.
Molecular consequence: missense variant. On other transcripts: 5 prime UTR variant (2), intron variant (1).
Genome position (GRCh38, 1-based): chr22:28,719,458, T>A on the plus strand (A>T on the coding strand, the complement: CHEK2 is on the minus strand). VCF-style: chr22-28719458-T-A. GRCh37 (hg19) VCF-style: chr22-29115446-T-A.
Other names: c.749A>T, p.Asp250Val (NM_001005735.3, NM_001438294.1); c.-44A>T (NM_001257387.3, NM_001437942.1); c.713A>T, p.Asp238Val (NM_001438293.1, NM_001438295.1); c.620A>T, p.Asp207Val (NM_145862.3); c.482+5428A>T (NM_001349956.3); short protein forms D207V, D250V, D238V.
Identifiers: ClinVar variation 1941710 (VCV001941710.6), dbSNP rs2146006677, ClinGen allele CA411105095.
Genomic context (GRCh38, chr22:28,719,458, plus strand): 5'-CCAAGAGTTTTTGACATGATGTATTCATCTCTTAATGCCTTAGGATAAACTGACTGATCA[T>A]CTACAGTCAGATCAAAAAAGACAAAAACTAAGGAAGAAAAGAGTAGAAATGGGTTTCATT-3'
Protein context (NP_009125.1, residues 197-217): KVFVFFDLTV[Asp207Val]DQSVYPKALR

ClinVar aggregate classification (germline): Uncertain significance. Review status: criteria provided, multiple submitters, no conflicts (2 of 4 stars). 2 submissions from 2 submitters: Uncertain significance (2). Last evaluated 2024-06-25.

Conditions:
Hereditary cancer-predisposing syndrome. Also called: Tumor predisposition; Hereditary neoplastic syndrome; Neoplastic Syndromes, Hereditary; Hereditary Cancer Syndrome. Identifiers: Orphanet 140162, MedGen C0027672, MeSH D009386, MONDO:0015356.
Familial cancer of breast. Also called: Hereditary breast cancer; BREAST CANCER, FAMILIAL; hereditary breast carcinoma. Identifiers: Orphanet 227535, MedGen C0346153, MONDO:0016419, OMIM 114480. Disease mechanism: loss of function.

Submissions (2):

Ambry Genetics
Classification: Uncertain significance for Hereditary cancer-predisposing syndrome. Last evaluated: 2024-06-25. Review status: criteria provided, single submitter. Criteria: Ambry Variant Classification Scheme 2023. Collection method: clinical testing. Allele origin: germline.
Comment: The p.D207V variant (also known as c.620A>T), located in coding exon 4 of the CHEK2 gene, results from an A to T substitution at nucleotide position 620. The aspartic acid at codon 207 is replaced by valine, an amino acid with highly dissimilar properties. This alteration behaved as functional in an in vivo, yeast-based growth rate assay (Delimitsou A et al. Hum Mutat, 2019 May;40:631-648). The p.D207V alteration was reported as functional in a study assessing CHEK2-complementation through quantification of KAP1 phosphorylation and CHK2 autophosphorylation in human RPE1-CHEK2-knockout cells (Stolarova L et al. Clin Cancer Res, 2023 Aug;29:3037-3050). This amino acid position is highly conserved in available vertebrate species. In addition, this alteration is predicted to be deleterious by in silico analysis. Based on the available evidence, the clinical significance of this variant remains unclear.

Labcorp Genetics (formerly Invitae), Labcorp
Classification: Uncertain significance for Familial cancer of breast. Last evaluated: 2022-11-18. Review status: criteria provided, single submitter. Criteria: Invitae Variant Classification Sherloc (09022015). Collection method: clinical testing. Allele origin: germline.
Comment: This sequence change replaces aspartic acid, which is acidic and polar, with valine, which is neutral and non-polar, at codon 207 of the CHEK2 protein (p.Asp207Val). In summary, the available evidence is currently insufficient to determine the role of this variant in disease. Therefore, it has been classified as a Variant of Uncertain Significance. Algorithms developed to predict the effect of sequence changes on RNA splicing suggest that this variant may disrupt the consensus splice site. Algorithms developed to predict the effect of missense changes on protein structure and function are either unavailable or do not agree on the potential impact of this missense change (SIFT: "Deleterious"; PolyPhen-2: "Benign"; Align-GVGD: "Class C0"). This variant has not been reported in the literature in individuals affected with CHEK2-related conditions. This variant is not present in population databases (gnomAD no frequency).

Literature cited by the submitters: PubMed 30851065 (cited by Ambry Genetics); PubMed 37449874 (cited by Ambry Genetics).